The following is an entry in ClinVar:

ClinVar aggregate classification (germline): Benign/Likely benign. Review status: criteria provided, multiple submitters, no conflicts (2 of 4 stars). 9 submissions from 9 submitters: Benign (4); Likely benign (2). 3 of the submissions do not count toward it. Last evaluated 2026-01-13.

Conditions:
CCM2-related disorder. Also called: CCM2-related condition.
Cerebral cavernous malformation 2. Also called: Familial Cerebral Cavernous Malformation 2. Identifiers: Orphanet 221061, MedGen C1864041, MONDO:0011304, OMIM 603284.

Allele frequency attached by ClinVar (database versions not stated): 1000 Genomes Project 0.00040; 1000 Genomes Project 30x 0.00047; TOPMed 0.00175; ESP Exome Variant Server 0.00231; gnomAD exomes 0.00232; ExAC 0.00316.
gnomAD v4.1: 4,553 of 1,610,566 alleles (0.28%); highest among the groups gnomAD compares: Non-Finnish European, 0.36%; 12 homozygotes.

Submissions (9):

Labcorp Genetics (formerly Invitae), Labcorp
Classification: Benign for Cerebral cavernous malformation 2. Last evaluated: 2026-01-13. Review status: criteria provided, single submitter. Criteria: Invitae Variant Classification Sherloc (09022015). Collection method: clinical testing. Allele origin: germline.

Mayo Clinic Laboratories, Mayo Clinic
Classification: Likely benign. Last evaluated: 2025-06-25. Review status: criteria provided, single submitter. Criteria: ACMG Guidelines, 2015. Collection method: clinical testing. Allele origin: germline. Observed: 1 variant allele.
Comment: BS1, BP4, BP7

Blueprint Genetics
Classification: Likely benign. Last evaluated: 2024-11-04. Review status: criteria provided, single submitter. Criteria: ACMG Guidelines, 2015. Collection method: clinical testing. Allele origin: germline.

ARUP Laboratories, Molecular Genetics and Genomics, ARUP Laboratories
Classification: Benign for Cerebral cavernous malformation 2. Last evaluated: 2023-06-29. Review status: criteria provided, single submitter. Criteria: ARUP Molecular Germline Variant Investigation Process 2024. Collection method: clinical testing. Allele origin: germline.

CeGaT Center for Human Genetics Tuebingen
Classification: Benign. Last evaluated: 2022-03-01. Review status: criteria provided, single submitter. Criteria: CeGaT Center For Human Genetics Tuebingen Variant Classification Criteria Version 2. Collection method: clinical testing. Allele origin: germline. Affected: yes. Observed: 1 variant allele.
Comment: CCM2: BS1, BS2

Athena Diagnostics
Classification: Benign. Last evaluated: 2018-05-29. Review status: criteria provided, single submitter. Criteria: Athena Diagnostics Criteria. Collection method: clinical testing. Allele origin: germline.

PreventionGenetics, part of Exact Sciences
Classification: Likely benign for CCM2-related condition. Last evaluated: 2021-04-28. Review status: no assertion criteria provided. Collection method: clinical testing. Allele origin: germline. Not counted in ClinVar's aggregate classification.
Comment: This variant is classified as likely benign based on ACMG/AMP sequence variant interpretation guidelines (Richards et al. 2015 PMID: 25741868, with internal and published modifications).

Clinical Genetics DNA and cytogenetics Diagnostics Lab, Erasmus MC, Erasmus Medical Center
Classification: Benign. Review status: no assertion criteria provided. Collection method: clinical testing. Allele origin: germline. Affected: yes. Study: VKGL Data-share Consensus. Not counted in ClinVar's aggregate classification.

Clinical Genetics, Academic Medical Center
Classification: Likely benign. Review status: no assertion criteria provided. Collection method: clinical testing. Allele origin: germline. Affected: yes. Study: VKGL Data-share Consensus. Not counted in ClinVar's aggregate classification.

Literature cited by the submitters: PubMed 23595507 (cited by Athena Diagnostics).

NM_031443.4(CCM2):c.804-5C>T

Gene: CCM2 (CCM2 scaffold protein; plus strand). Cytogenetic location: 7p13.
Variant type: single nucleotide variant.
Coding change: c.804-5C>T on transcript NM_031443.4 (MANE Select); 5 bases into the intron before coding-DNA position 804, C replaced by T.
Molecular consequence: intron variant.
Genome position (GRCh38, 1-based): chr7:45,073,455, C>T. VCF-style: chr7-45073455-C-T. GRCh37 (hg19) VCF-style: chr7-45113054-C-T.
Other names: p.?; c.927-5C>T (NM_001363458.2); c.531-5C>T (NM_001167935.2); c.753-5C>T (NM_001363459.2); c.630-5C>T (NM_001167934.2); c.867-5C>T (NM_001029835.2).
Identifiers: ClinVar variation 585628 (VCV000585628.52), dbSNP rs145003686, ClinGen allele CA4247155.